The following is an entry in ClinVar:

NM_000428.3(LTBP2):c.2229A>T (p.Lys743Asn)

Gene: LTBP2 (latent transforming growth factor beta binding protein 2; minus strand). Cytogenetic location: 14q24.3.
Variant type: single nucleotide variant.
Coding change: c.2229A>T on transcript NM_000428.3 (MANE Select); coding-DNA position 2229, A replaced by T.
Protein change: p.Lys743Asn; replaces lysine 743 with asparagine.
Molecular consequence: missense variant.
Genome position (GRCh38, 1-based): chr14:74,528,622, T>A on the plus strand (A>T on the coding strand, the complement: LTBP2 is on the minus strand). VCF-style: chr14-74528622-T-A. GRCh37 (hg19) VCF-style: chr14-74995325-T-A.
Other names: short protein forms K743N.
Identifiers: ClinVar variation 2829968 (VCV002829968.3), dbSNP rs2506153761, ClinGen allele CA390394791.

ClinVar aggregate classification (germline): Uncertain significance (1 of 4 stars; one submission).

Submission:

Labcorp Genetics (formerly Invitae), Labcorp
Classification: Uncertain significance. Last evaluated: 2023-01-24. Review status: criteria provided, single submitter. Criteria: Invitae Variant Classification Sherloc (09022015). Collection method: clinical testing. Allele origin: germline.
Comment: This sequence change replaces lysine, which is basic and polar, with asparagine, which is neutral and polar, at codon 743 of the LTBP2 protein (p.Lys743Asn). This variant is not present in population databases (gnomAD no frequency). This variant has not been reported in the literature in individuals affected with LTBP2-related conditions. Algorithms developed to predict the effect of missense changes on protein structure and function (SIFT, PolyPhen-2, Align-GVGD) all suggest that this variant is likely to be disruptive. In summary, the available evidence is currently insufficient to determine the role of this variant in disease. Therefore, it has been classified as a Variant of Uncertain Significance.